The following is an entry in ClinVar:

ClinVar aggregate classification (germline): Uncertain significance (1 of 4 stars; one submission).

Submission:

CeGaT Center for Human Genetics Tuebingen
Classification: Uncertain significance. Last evaluated: 2023-09-01. Review status: criteria provided, single submitter. Criteria: CeGaT Center For Human Genetics Tuebingen Variant Classification Criteria Version 2. Collection method: clinical testing. Allele origin: germline. Affected: yes. Observed: 1 variant allele.
Comment: KLHL40: PM2

NM_152393.4(KLHL40):c.549C>G (p.Ser183Arg)

Gene: KLHL40 (kelch like family member 40; plus strand). Cytogenetic location: 3p22.1.
Variant type: single nucleotide variant.
Coding change: c.549C>G on transcript NM_152393.4 (MANE Select); coding-DNA position 549, C replaced by G.
Protein change: p.Ser183Arg; replaces serine 183 with arginine.
Molecular consequence: missense variant.
Genome position (GRCh38, 1-based): chr3:42,686,167, C>G. VCF-style: chr3-42686167-C-G. GRCh37 (hg19) VCF-style: chr3-42727659-C-G.
Other names: short protein forms S183R.
Identifiers: ClinVar variation 2653712 (VCV002653712.24), dbSNP rs138171438, ClinGen allele CA352289767.